The following is an entry in ClinVar:

ClinVar aggregate classification (germline): Uncertain significance. Review status: criteria provided, multiple submitters, no conflicts (2 of 4 stars). 2 submissions from 2 submitters: Uncertain significance (2). Last evaluated 2022-09-16.

Conditions:
Joubert syndrome. Also called: JOUBERT-BOLTSHAUSER SYNDROME; Familial aplasia of the vermis. Identifiers: Orphanet 475, MedGen C5979921, MONDO:0018772.
Meckel-Gruber syndrome. Also called: DYSENCEPHALIA SPLANCHNOCYSTICA; GRUBER SYNDROME; Dysencephalia splachnocystica. Identifiers: Orphanet 564, MedGen C0265215, MONDO:0018921.

Submissions (2):

Blueprint Genetics
Classification: Uncertain significance. Last evaluated: 2022-09-16. Review status: criteria provided, single submitter. Criteria: ACMG Guidelines, 2015. Collection method: clinical testing. Allele origin: germline.

Labcorp Genetics (formerly Invitae), Labcorp
Classification: Uncertain significance for Joubert syndrome; Meckel-Gruber syndrome. Last evaluated: 2022-06-18. Review status: criteria provided, single submitter. Criteria: Invitae Variant Classification Sherloc (09022015). Collection method: clinical testing. Allele origin: germline.
Comment: In summary, the available evidence is currently insufficient to determine the role of this variant in disease. Therefore, it has been classified as a Variant of Uncertain Significance. Experimental studies and prediction algorithms are not available or were not evaluated, and the functional significance of this variant is currently unknown. This variant has not been reported in the literature in individuals affected with CC2D2A-related conditions. This variant is present in population databases (no rsID available, gnomAD 0.1%). This sequence change results in a frameshift in the CC2D2A gene (p.Leu1607Valfs*29). While this is not anticipated to result in nonsense mediated decay, it is expected to disrupt the last 14 amino acid(s) of the CC2D2A protein and extend the protein by 14 additional amino acid residues.

NM_001378615.1(CC2D2A):c.4819_4820del (p.Leu1607fs)

Genes: CC2D2A (coiled-coil and C2 domain containing 2A; plus strand), FBXL5 (F-box and leucine rich repeat protein 5; minus strand). Cytogenetic location: 4p15.32.
Variant type: Deletion.
Coding change: c.4819_4820del on transcript NM_001378615.1 (MANE Select); coding-DNA positions 4819 to 4820, 2 bases deleted (TT; older notation c.4819_4820delTT).
Protein change: p.Leu1607fs; shifts the reading frame from leucine 1607.
Molecular consequence: frameshift variant.
Genome position (GRCh38, 1-based): chr4:15,601,381-15,601,382, TT deleted; deleting any 2 consecutive bases within chr4:15,601,379-15,601,382 gives the same sequence; the c. name uses the placement nearest the transcript's 3' end. VCF-style (leftmost placement, unchanged base first): chr4-15601378-GTT-G. GRCh37 (hg19) VCF-style: chr4-15603001-GTT-G.
Other names: c.4819_4820del, p.Leu1607fs (NM_001080522.2); c.4672_4673del, p.Leu1558fs (NM_001378617.1); short protein forms L1558fs, L1607fs.
Identifiers: ClinVar variation 2201614 (VCV002201614.4), dbSNP rs1305782805, ClinGen allele CA549900640.